The following is an entry in ClinVar:

ClinVar aggregate classification (germline): Likely benign (1 of 4 stars; one submission).

gnomAD v4.1: 17 of 1,477,474 alleles (0.0012%); highest among the groups gnomAD compares: East Asian, 0.015%; 3 homozygotes.

Submission:

CeGaT Center for Human Genetics Tuebingen
Classification: Likely benign. Last evaluated: 2026-08-01. Review status: criteria provided, single submitter. Criteria: CeGaT Center For Human Genetics Tuebingen Variant Classification Criteria Version 2. Collection method: clinical testing. Allele origin: germline. Affected: yes. Observed: 1 variant allele.
Comment: RP1L1: BP4

NM_178857.6(RP1L1):c.4000G>C (p.Glu1334Gln)

Gene: RP1L1 (RP1 like 1). Cytogenetic location: 8p23.1.
Variant type: single nucleotide variant.
Coding change: c.4000G>C on transcript NM_178857.6 (MANE Select); coding-DNA position 4000, G replaced by C.
Protein change: p.Glu1334Gln; replaces glutamic acid 1334 with glutamine.
Molecular consequence: missense variant.
Genome position (GRCh38, 1-based): chr8:10,610,098, C>G on the plus strand (G>C on the coding strand, the complement: RP1L1 is on the minus strand). VCF-style: chr8-10610098-C-G. GRCh37 (hg19) VCF-style: chr8-10467608-C-G.
Other names: short protein forms E1334Q.
Identifiers: ClinVar variation 5039724 (VCV005039724.1).